The following is an entry in ClinVar:

ClinVar aggregate classification (germline): Pathogenic (1 of 4 stars; one submission).

Conditions:
T-B+ severe combined immunodeficiency due to JAK3 deficiency. Also called: SCID, autosomal recessive, T-negative/B-positive type; SCID, T CELL-NEGATIVE, B CELL-POSITIVE, NK CELL-NEGATIVE. Identifiers: Orphanet 35078, MedGen C1833275, MONDO:0010938, OMIM 600802.

Submission:

Labcorp Genetics (formerly Invitae), Labcorp
Classification: Pathogenic for T-B+ severe combined immunodeficiency due to JAK3 deficiency. Last evaluated: 2023-02-20. Review status: criteria provided, single submitter. Criteria: Invitae Variant Classification Sherloc (09022015). Collection method: clinical testing. Allele origin: germline.
Comment: For these reasons, this variant has been classified as Pathogenic. This variant has not been reported in the literature in individuals affected with JAK3-related conditions. This variant is not present in population databases (gnomAD no frequency). This sequence change creates a premature translational stop signal (p.Tyr841*) in the JAK3 gene. It is expected to result in an absent or disrupted protein product. Loss-of-function variants in JAK3 are known to be pathogenic (PMID: 7481768, 11668621).

Literature cited by the submitters: PubMed 7481768; PubMed 11668621.

NM_000215.4(JAK3):c.2523_2532del (p.Arg840_Tyr841insTer)

Gene: JAK3 (Janus kinase 3; minus strand). Cytogenetic location: 19p13.11.
Variant type: Deletion.
Coding change: c.2523_2532del on transcript NM_000215.4 (MANE Select); coding-DNA positions 2523 to 2532, 10 bases deleted (TGACCCGCTA; older notation c.2523_2532delTGACCCGCTA).
Protein change: p.Arg840_Tyr841insTer.
Molecular consequence: nonsense.
Genome position (GRCh38, 1-based): chr19:17,832,667-17,832,676, TAGCGGGTCA deleted on the plus strand (TGACCCGCTA on the coding strand, the reverse complement: JAK3 is on the minus strand); deleting any 10 consecutive bases within chr19:17,832,667-17,832,682 gives the same sequence; the c. name uses the placement nearest the transcript's 3' end. VCF-style (leftmost placement, unchanged base first): chr19-17832666-CTAGCGGGTCA-C. GRCh37 (hg19) VCF-style: chr19-17943475-CTAGCGGGTCA-C.
Identifiers: ClinVar variation 2802831 (VCV002802831.3), dbSNP rs2514549730, ClinGen allele CA2583423040.